The following is an entry in ClinVar:

ClinVar aggregate classification (germline): Uncertain significance. Review status: criteria provided, multiple submitters, no conflicts (2 of 4 stars). 5 submissions from 5 submitters: Uncertain significance (3). 2 of the submissions do not count toward it. Last evaluated 2025-04-08.

Conditions:
Cardiovascular phenotype. Identifiers: MedGen CN230736.
Alstrom syndrome (ALMS). Identifiers: Orphanet 64, MedGen C0268425, MONDO:0008763, OMIM 203800.

Allele frequency attached by ClinVar (database versions not stated): gnomAD 0.00001; TOPMed 0.00002.
gnomAD v4.1: 9 of 1,613,378 alleles (0.00056%); highest among the groups gnomAD compares: Admixed American, 0.0017%; no homozygotes.

Submissions (5):

GeneDx
Classification: Uncertain significance. Last evaluated: 2025-04-08. Review status: criteria provided, single submitter. Criteria: GeneDx Variant Classification Process June 2021. Collection method: clinical testing. Allele origin: germline. Affected: yes.
Comment: Not observed at significant frequency in large population cohorts (gnomAD); Has not been previously published as pathogenic or benign to our knowledge; In-silico analysis is inconclusive as to whether the variant impacts protein structure/function. In the absence of functional studies, the actual effect of this sequence change is unknown.

Ambry Genetics
Classification: Uncertain significance for Cardiovascular phenotype. Last evaluated: 2022-08-11. Review status: criteria provided, single submitter. Criteria: Ambry Variant Classification Scheme 2023. Collection method: clinical testing. Allele origin: germline.
Comment: The p.E3763K variant (also known as c.11287G>A), located in coding exon 16 of the ALMS1 gene, results from a G to A substitution at nucleotide position 11287. The glutamic acid at codon 3763 is replaced by lysine, an amino acid with similar properties. This amino acid position is not well conserved in available vertebrate species. In addition, this alteration is predicted to be tolerated by in silico analysis. Since supporting evidence is limited at this time, the clinical significance of this alteration remains unclear.

Labcorp Genetics (formerly Invitae), Labcorp
Classification: Uncertain significance for Alstrom syndrome. Last evaluated: 2022-07-06. Review status: criteria provided, single submitter. Criteria: Invitae Variant Classification Sherloc (09022015). Collection method: clinical testing. Allele origin: germline.
Comment: This sequence change replaces glutamic acid, which is acidic and polar, with lysine, which is basic and polar, at codon 3763 of the ALMS1 protein (p.Glu3763Lys). This variant is present in population databases (no rsID available, gnomAD 0.01%). This variant has not been reported in the literature in individuals affected with ALMS1-related conditions. ClinVar contains an entry for this variant (Variation ID: 555919). In summary, the available evidence is currently insufficient to determine the role of this variant in disease. Therefore, it has been classified as a Variant of Uncertain Significance.

Natera, Inc.
Classification: Uncertain significance for Alstrom syndrome. Last evaluated: 2020-09-09. Review status: no assertion criteria provided. Collection method: clinical testing. Allele origin: germline. Not counted in ClinVar's aggregate classification.

Counsyl
Classification: Uncertain significance for Alstrom syndrome. Last evaluated: 2018-01-03. Review status: no assertion criteria provided. Collection method: clinical testing. Allele origin: unknown. Not counted in ClinVar's aggregate classification.

NM_001378454.1(ALMS1):c.11284G>A (p.Glu3762Lys)

Gene: ALMS1 (ALMS1 centrosome and basal body associated protein; plus strand). Cytogenetic location: 2p13.1.
Variant type: single nucleotide variant.
Coding change: c.11284G>A on transcript NM_001378454.1 (MANE Select); coding-DNA position 11284, G replaced by A.
Protein change: p.Glu3762Lys; replaces glutamic acid 3762 with lysine.
Molecular consequence: missense variant.
Genome position (GRCh38, 1-based): chr2:73,573,161, G>A. VCF-style: chr2-73573161-G-A. GRCh37 (hg19) VCF-style: chr2-73800288-G-A.
Other names: c.11287G>A, p.Glu3763Lys (NM_015120.4); short protein forms E3763K, E3762K.
Identifiers: ClinVar variation 555919 (VCV000555919.16), dbSNP rs1243181452, ClinGen allele CA347288819.